The following is an entry in ClinVar:

ClinVar aggregate classification (germline): Uncertain significance (1 of 4 stars; one submission).

Conditions:
Cerebral cavernous malformation 3. Also called: Familial Cerebral Cavernous Malformation 3. Identifiers: Orphanet 221061, MedGen C1864040, MONDO:0011305, OMIM 603285.

Submission:

Labcorp Genetics (formerly Invitae), Labcorp
Classification: Uncertain significance for Cerebral cavernous malformation 3. Last evaluated: 2025-10-26. Review status: criteria provided, single submitter. Criteria: Invitae Variant Classification Sherloc (09022015). Collection method: clinical testing. Allele origin: germline.
Comment: This sequence change replaces leucine, which is neutral and non-polar, with proline, which is neutral and non-polar, at codon 44 of the PDCD10 protein (p.Leu44Pro). This variant is not present in population databases (gnomAD no frequency). This missense change has been observed in individual(s) with cerebral cavernous malformation (PMID: 25122144). An algorithm developed to predict the effect of missense changes on protein structure and function (PolyPhen-2) suggests that this variant is likely to be disruptive. In summary, the available evidence is currently insufficient to determine the role of this variant in disease. Therefore, it has been classified as a Variant of Uncertain Significance.

Literature cited by the submitters: PubMed 25122144.

NM_007217.4(PDCD10):c.131T>C (p.Leu44Pro)

Gene: PDCD10 (programmed cell death 10; minus strand). Cytogenetic location: 3q26.1.
Variant type: single nucleotide variant.
Coding change: c.131T>C on transcript NM_007217.4 (MANE Select); coding-DNA position 131, T replaced by C.
Protein change: p.Leu44Pro; replaces leucine 44 with proline.
Molecular consequence: missense variant.
Genome position (GRCh38, 1-based): chr3:167,704,861, A>G on the plus strand (T>C on the coding strand, the complement: PDCD10 is on the minus strand). VCF-style: chr3-167704861-A-G. GRCh37 (hg19) VCF-style: chr3-167422649-A-G.
Other names: c.131T>C, p.Leu44Pro (NM_001439202.1, NM_001439204.1, NM_001439205.1 and 2 more transcripts); short protein forms L44P.
Identifiers: ClinVar variation 4747373 (VCV004747373.1).